The following is an entry in ClinVar:

ClinVar aggregate classification (germline): Uncertain significance (1 of 4 stars; one submission).

Submission:

Labcorp Genetics (formerly Invitae), Labcorp
Classification: Uncertain significance. Last evaluated: 2024-12-16. Review status: criteria provided, single submitter. Criteria: Invitae Variant Classification Sherloc (09022015). Collection method: clinical testing. Allele origin: germline.
Comment: This sequence change replaces proline, which is neutral and non-polar, with serine, which is neutral and polar, at codon 227 of the POLE protein (p.Pro227Ser). This variant is not present in population databases (gnomAD no frequency). This variant has not been reported in the literature in individuals affected with POLE-related conditions. ClinVar contains an entry for this variant (Variation ID: 836255). Invitae Evidence Modeling of protein sequence and biophysical properties (such as structural, functional, and spatial information, amino acid conservation, physicochemical variation, residue mobility, and thermodynamic stability) has been performed for this missense variant. However, the output from this modeling did not meet the statistical confidence thresholds required to predict the impact of this variant on POLE protein function. In summary, the available evidence is currently insufficient to determine the role of this variant in disease. Therefore, it has been classified as a Variant of Uncertain Significance.

NM_006231.4(POLE):c.679C>T (p.Pro227Ser)

Gene: POLE (DNA polymerase epsilon, catalytic subunit; minus strand). Cytogenetic location: 12q24.33.
Variant type: single nucleotide variant.
Coding change: c.679C>T on transcript NM_006231.4 (MANE Select); coding-DNA position 679, C replaced by T.
Protein change: p.Pro227Ser; replaces proline 227 with serine.
Molecular consequence: missense variant.
Genome position (GRCh38, 1-based): chr12:132,677,619, G>A on the plus strand (C>T on the coding strand, the complement: POLE is on the minus strand). VCF-style: chr12-132677619-G-A. GRCh37 (hg19) VCF-style: chr12-133254205-G-A.
Other names: short protein forms P227S.
Identifiers: ClinVar variation 836255 (VCV000836255.9), dbSNP rs2043084702, ClinGen allele CA387364817.